The following is an entry in ClinVar:

ClinVar aggregate classification (germline): Likely pathogenic (1 of 4 stars; one submission).

Submission:

CeGaT Center for Human Genetics Tuebingen
Classification: Likely pathogenic. Last evaluated: 2025-10-01. Review status: criteria provided, single submitter. Criteria: CeGaT Center For Human Genetics Tuebingen Variant Classification Criteria Version 2. Collection method: clinical testing. Allele origin: germline. Affected: yes. Observed: 2 variant alleles.
Comment: TTN: PVS1:Strong, PM2

NM_001267550.2(TTN):c.5231del (p.Pro1744fs)

Gene: TTN (titin; minus strand). Cytogenetic location: 2q31.2.
Variant type: Deletion.
Coding change: c.5231del on transcript NM_001267550.2 (MANE Select); coding-DNA position 5231, one base deleted (C; older notation c.5231delC).
Protein change: p.Pro1744fs; shifts the reading frame from proline 1744.
Molecular consequence: frameshift variant.
Genome position (GRCh38, 1-based): chr2:178,776,633, G deleted on the plus strand (C on the coding strand, the reverse complement: TTN is on the minus strand); the first of 2 consecutive G bases (chr2:178,776,633-178,776,634); deleting either gives the same sequence. VCF-style (leftmost placement, unchanged base first): chr2-178776632-TG-T. GRCh37 (hg19) VCF-style: chr2-179641359-TG-T.
Other names: c.5231del, p.Pro1744fs (NM_001256850.1, NM_133378.4, NM_133379.5); c.5093del, p.Pro1698fs (NM_003319.4, NM_133432.3, NM_133437.4); short protein forms P1698fs, P1744fs.
Identifiers: ClinVar variation 4534173 (VCV004534173.6).